The following is an entry in ClinVar:

ClinVar aggregate classification (germline): Likely pathogenic (1 of 4 stars; one submission).

Submission:

Labcorp Genetics (formerly Invitae), Labcorp
Classification: Likely pathogenic. Last evaluated: 2020-04-13. Review status: criteria provided, single submitter. Criteria: Invitae Variant Classification Sherloc (09022015). Collection method: clinical testing. Allele origin: unknown.
Comment: In summary, the currently available evidence indicates that the variant is pathogenic, but additional data are needed to prove that conclusively. Therefore, this variant has been classified as Likely Pathogenic. Loss-of-function variants in LAMA3 are known to be pathogenic (PMID: 10366601, 11810295, 12915477, 16473856, 17362460, 23869449, 28087116). This variant has not been reported in the literature in individuals with LAMA3-related conditions. This variant results in the deletion of exon 2 and part of exon 1 (c.82_285+2102del) of the LAMA3 gene. It is expected to disrupt RNA splicing and likely results in an absent or disrupted protein product.

Literature cited by the submitters: PubMed 10366601; PubMed 11810295; PubMed 12915477; PubMed 16473856; PubMed 17362460; PubMed 23869449; PubMed 28087116.

NC_000018.9:g.(?_21453088)_(21458471_?)del

Gene: LAMA3 (laminin subunit alpha 3; plus strand). Cytogenetic location: 18q11.2.
Variant type: Deletion.
Identifiers: ClinVar variation 3242788 (VCV003242788.1).